The following is an entry in ClinVar:

NM_001267550.2(TTN):c.51411T>G (p.Asn17137Lys)

Genes: TTN (titin; minus strand), TTN-AS1 (TTN antisense RNA 1; plus strand). Cytogenetic location: 2q31.2.
Variant type: single nucleotide variant.
Coding change: c.51411T>G on transcript NM_001267550.2 (MANE Select); coding-DNA position 51411, T replaced by G.
Protein change: p.Asn17137Lys; replaces asparagine 17137 with lysine.
Molecular consequence: missense variant.
Genome position (GRCh38, 1-based): chr2:178,610,115, A>C on the plus strand (T>G on the coding strand, the complement: TTN is on the minus strand). VCF-style: chr2-178610115-A-C. GRCh37 (hg19) VCF-style: chr2-179474842-A-C.
Other names: c.46488T>G, p.Asn15496Lys (NM_001256850.1); c.24216T>G, p.Asn8072Lys (NM_003319.4); c.43707T>G, p.Asn14569Lys (NM_133378.4); c.24591T>G, p.Asn8197Lys (NM_133432.3); c.24792T>G, p.Asn8264Lys (NM_133437.4); short protein forms N8197K, N8264K, N8072K, N15496K, N14569K, N17137K.
Identifiers: ClinVar variation 1791018 (VCV001791018.3), dbSNP rs751177363, ClinGen allele CA1994210.

ClinVar aggregate classification (germline): Uncertain significance. Review status: criteria provided, multiple submitters, no conflicts (2 of 4 stars). 2 submissions from 2 submitters: Uncertain significance (2). Last evaluated 2026-09-21.

Conditions:
Cardiovascular phenotype. Identifiers: MedGen CN230736.
TTN-related disorder. Also called: TTN-related disorders; TTN-related condition; TTN-related disease.

Allele frequency attached by ClinVar (database versions not stated): ExAC 0.00001; TOPMed 0.00002; gnomAD 0.00003.
gnomAD v4.1: 5 of 1,612,710 alleles (0.00031%); highest among the groups gnomAD compares: African/African-American, 0.0067%; no homozygotes.

Submissions (2):

PreventionGenetics, part of Exact Sciences
Classification: Uncertain significance for TTN-related condition. Last evaluated: 2026-09-21. Review status: criteria provided, single submitter. Criteria: ACMG Guidelines, 2015. Collection method: clinical testing. Allele origin: germline.
Comment: The TTN c.51411T>G variant is predicted to result in the amino acid substitution p.Asn17137Lys. To our knowledge, this variant has not been reported in the literature. This variant is reported in 0.0083% of alleles in individuals of African descent in gnomAD. At this time, the clinical significance of this variant is uncertain due to the absence of conclusive functional and genetic evidence.

Ambry Genetics
Classification: Uncertain significance for Cardiovascular phenotype. Last evaluated: 2020-01-16. Review status: criteria provided, single submitter. Criteria: Ambry Variant Classification Scheme 2023. Collection method: clinical testing. Allele origin: germline.
Comment: The p.N8072K variant (also known as c.24216T>G), located in coding exon 98 of the TTN gene, results from a T to G substitution at nucleotide position 24216. The asparagine at codon 8072 is replaced by lysine, an amino acid with similar properties. This amino acid position is highly conserved in available vertebrate species. In addition, this alteration is predicted to be tolerated by in silico analysis. Since supporting evidence is limited at this time, the clinical significance of this alteration remains unclear.